The following is an entry in ClinVar:

ClinVar aggregate classification (germline): Uncertain significance. Review status: criteria provided, multiple submitters, no conflicts (2 of 4 stars). 3 submissions from 3 submitters: Uncertain significance (3). Last evaluated 2025-02-05.

Conditions:
Fanconi anemia (FA). Also called: Fanconi's anemia. Identifiers: Orphanet 84, MedGen C0015625, MeSH D005199, MONDO:0019391.
Fanconi anemia complementation group L (FANCL). Also called: FANCL-Related Fanconi Anemia. Identifiers: Orphanet 84, MedGen C3469528, MONDO:0013566, OMIM 614083.

Allele frequency attached by ClinVar (database versions not stated): ExAC 0.00001; gnomAD 0.00001; TOPMed 0.00002; 1000 Genomes Project 30x 0.00016; 1000 Genomes Project 0.00020.

Submissions (3):

St. Jude Molecular Pathology, St. Jude Children's Research Hospital
Classification: Uncertain significance for Fanconi anemia complementation group L. Last evaluated: 2025-02-05. Review status: criteria provided, single submitter. Criteria: St. Jude Assertion Criteria 2020. Collection method: clinical testing. Allele origin: germline.
Comment: The FANCL c.476C>T (p.Pro159Leu) missense change has a maximum subpopulation frequency of 0.0080% in gnomAD v2.1.1. The in silico tool REVEL is inconclusive about a pathogenic or benign effect of this variant on protein function, and to our knowledge functional studies have not been performed. To our knowledge, this variant has not been reported in individuals with Fanconi anemia. In summary, the evidence currently available is insufficient to determine the clinical significance of this variant. It has therefore been classified as of uncertain significance.

Labcorp Genetics (formerly Invitae), Labcorp
Classification: Uncertain significance for Fanconi anemia. Last evaluated: 2024-12-16. Review status: criteria provided, single submitter. Criteria: Invitae Variant Classification Sherloc (09022015). Collection method: clinical testing. Allele origin: germline.
Comment: This sequence change replaces proline, which is neutral and non-polar, with leucine, which is neutral and non-polar, at codon 159 of the FANCL protein (p.Pro159Leu). This variant is present in population databases (rs527294638, gnomAD 0.008%). This variant has not been reported in the literature in individuals affected with FANCL-related conditions. ClinVar contains an entry for this variant (Variation ID: 1970745). Invitae Evidence Modeling of protein sequence and biophysical properties (such as structural, functional, and spatial information, amino acid conservation, physicochemical variation, residue mobility, and thermodynamic stability) indicates that this missense variant is expected to disrupt FANCL protein function with a positive predictive value of 80%. In summary, the available evidence is currently insufficient to determine the role of this variant in disease. Therefore, it has been classified as a Variant of Uncertain Significance.

Fulgent Genetics
Classification: Uncertain significance for Fanconi anemia complementation group L. Last evaluated: 2024-06-17. Review status: criteria provided, single submitter. Criteria: ACMG Guidelines, 2015. Collection method: clinical testing. Allele origin: germline.

NM_018062.4(FANCL):c.476C>T (p.Pro159Leu)

Gene: FANCL (FA complementation group L; minus strand). Cytogenetic location: 2p16.1.
Variant type: single nucleotide variant.
Coding change: c.476C>T on transcript NM_018062.4 (MANE Select); coding-DNA position 476, C replaced by T.
Protein change: p.Pro159Leu; replaces proline 159 with leucine.
Molecular consequence: missense variant.
Genome position (GRCh38, 1-based): chr2:58,198,658, G>A on the plus strand (C>T on the coding strand, the complement: FANCL is on the minus strand). VCF-style: chr2-58198658-G-A. GRCh37 (hg19) VCF-style: chr2-58425793-G-A.
Other names: c.476C>T, p.Pro159Leu (NM_001114636.2, NM_001374615.1, NM_001410792.1); short protein forms P159L.
Identifiers: ClinVar variation 1970745 (VCV001970745.5), dbSNP rs527294638, ClinGen allele CA1670597.
Genomic context (GRCh38, chr2:58,198,658, plus strand): 5'-GGTGTCCAGGAGGCACAAAATGGAACAGGAAAATCCACAAAATAATCTGGTGATTCTGCA[G>A]GATACTATTAAAAAAGCATAACATTAGACCATTTTTGCTTCTGTGTGTTAATATCACTGA-3'
Protein context (NP_060532.2, residues 149-169): LITLKLKAKY[Pro159Leu]AESPDYFVDF